The following is an entry in ClinVar:

NM_004984.4(KIF5A):c.1915A>C (p.Lys639Gln)

Gene: KIF5A (kinesin family member 5A; plus strand). Cytogenetic location: 12q13.3.
Variant type: single nucleotide variant.
Coding change: c.1915A>C on transcript NM_004984.4 (MANE Select); coding-DNA position 1915, A replaced by C.
Protein change: p.Lys639Gln; replaces lysine 639 with glutamine.
Molecular consequence: missense variant.
Genome position (GRCh38, 1-based): chr12:57,575,649, A>C. VCF-style: chr12-57575649-A-C. GRCh37 (hg19) VCF-style: chr12-57969432-A-C.
Other names: p.Lys639Gln; c.1648A>C, p.Lys550Gln (NM_001354705.2); short protein forms K550Q, K639Q.
Identifiers: ClinVar variation 4541726 (VCV004541726.1).

ClinVar aggregate classification (germline): Uncertain significance (1 of 4 stars; one submission).

Submission:

Mayo Clinic Laboratories, Mayo Clinic
Classification: Uncertain significance. Last evaluated: 2025-01-23. Review status: criteria provided, single submitter. Criteria: ACMG Guidelines, 2015. Collection method: clinical testing. Allele origin: germline. Observed: 1 variant allele.
Comment: PP2, PM2_supporting